The following is an entry in ClinVar:

NM_017934.7(PHIP):c.3147A>C (p.Ile1049=)

Genes: IRAK1BP1 (interleukin 1 receptor associated kinase 1 binding protein 1; plus strand), PHIP (PHIP subunit of CUL4-Ring ligase complex; minus strand). Cytogenetic location: 6q14.1.
Variant type: single nucleotide variant.
Coding change: c.3147A>C on transcript NM_017934.7 (MANE Select); coding-DNA position 3147, A replaced by C.
Protein change: p.Ile1049=; no amino-acid change (isoleucine 1049 retained).
Molecular consequence: synonymous variant.
Genome position (GRCh38, 1-based): chr6:78,969,893, T>G on the plus strand (A>C on the coding strand, the complement: PHIP is on the minus strand). VCF-style: chr6-78969893-T-G. GRCh37 (hg19) VCF-style: chr6-79679610-T-G.
Other names: c.3147A>C (NM_017934.6).
Identifiers: ClinVar variation 2143555 (VCV002143555.7), dbSNP rs145290877, ClinGen allele CA3899764.

ClinVar aggregate classification (germline): Benign/Likely benign. Review status: criteria provided, multiple submitters, no conflicts (2 of 4 stars). 3 submissions from 3 submitters: Benign (1); Likely benign (1). 1 of the submissions does not count toward it. Last evaluated 2025-08-26.

Conditions:
PHIP-related disorder. Also called: PHIP-related disorders; PHIP-related condition.

Allele frequency attached by ClinVar (database versions not stated): gnomAD exomes 0.00003; ExAC 0.00008; 1000 Genomes Project 30x 0.00016; gnomAD 0.00019; 1000 Genomes Project 0.00020; TOPMed 0.00022; ESP Exome Variant Server 0.00031.
gnomAD v4.1: 75 of 1,601,502 alleles (0.0047%); highest among the groups gnomAD compares: African/African-American, 0.084%; no homozygotes.

Submissions (3):

Labcorp Genetics (formerly Invitae), Labcorp
Classification: Benign. Last evaluated: 2025-08-26. Review status: criteria provided, single submitter. Criteria: Invitae Variant Classification Sherloc (09022015). Collection method: clinical testing. Allele origin: germline.

Blueprint Genetics
Classification: Likely benign. Last evaluated: 2024-04-16. Review status: criteria provided, single submitter. Criteria: ACMG Guidelines, 2015. Collection method: clinical testing. Allele origin: germline.

PreventionGenetics, part of Exact Sciences
Classification: Likely benign for PHIP-related condition. Last evaluated: 2022-04-18. Review status: no assertion criteria provided. Collection method: clinical testing. Allele origin: germline. Not counted in ClinVar's aggregate classification.
Comment: This variant is classified as likely benign based on ACMG/AMP sequence variant interpretation guidelines (Richards et al. 2015 PMID: 25741868, with internal and published modifications).